The following is an entry in ClinVar:

ClinVar aggregate classification (germline): Uncertain significance. Review status: criteria provided, multiple submitters, no conflicts (2 of 4 stars). 2 submissions from 2 submitters: Uncertain significance (2). Last evaluated 2024-04-02.

Conditions:
Pyridoxine-dependent epilepsy (EPEO4). Also called: EPILEPSY, EARLY-ONSET, 4, VITAMIN B6-DEPENDENT; Pyridoxine-Dependent Epilepsy - ALDH7A1; Pyridoxine-Dependent Seizures; PYRIDOXINE DEPENDENCY WITH SEIZURES. Identifiers: Orphanet 3006, MedGen C1849508, MONDO:0009945, OMIM 266100. Disease mechanism: loss of function.

Allele frequency attached by ClinVar (database versions not stated): ExAC 0.00001; gnomAD 0.00001; gnomAD exomes 0.00001 and 0.00003; TOPMed 0.00002.
gnomAD v4.1: 47 of 1,613,974 alleles (0.0029%); highest among the groups gnomAD compares: Non-Finnish European, 0.0038%; no homozygotes.

Submissions (2):

Blueprint Genetics
Classification: Uncertain significance. Last evaluated: 2024-04-02. Review status: criteria provided, single submitter. Criteria: ACMG Guidelines, 2015. Collection method: clinical testing. Allele origin: germline.

Labcorp Genetics (formerly Invitae), Labcorp
Classification: Uncertain significance for Pyridoxine-dependent epilepsy. Last evaluated: 2022-07-19. Review status: criteria provided, single submitter. Criteria: Invitae Variant Classification Sherloc (09022015). Collection method: clinical testing. Allele origin: germline.
Comment: This sequence change replaces alanine, which is neutral and non-polar, with threonine, which is neutral and polar, at codon 95 of the ALDH7A1 protein (p.Ala95Thr). This variant is present in population databases (rs551163406, gnomAD 0.004%). This variant has not been reported in the literature in individuals affected with ALDH7A1-related conditions. ClinVar contains an entry for this variant (Variation ID: 577460). Advanced modeling of protein sequence and biophysical properties (such as structural, functional, and spatial information, amino acid conservation, physicochemical variation, residue mobility, and thermodynamic stability) performed at Invitae indicates that this missense variant is not expected to disrupt ALDH7A1 protein function. In summary, the available evidence is currently insufficient to determine the role of this variant in disease. Therefore, it has been classified as a Variant of Uncertain Significance.

NM_001182.5(ALDH7A1):c.283G>A (p.Ala95Thr)

Gene: ALDH7A1 (aldehyde dehydrogenase 7 family member A1; minus strand). Cytogenetic location: 5q23.2.
Variant type: single nucleotide variant.
Coding change: c.283G>A on transcript NM_001182.5 (MANE Select); coding-DNA position 283, G replaced by A.
Protein change: p.Ala95Thr; replaces alanine 95 with threonine.
Molecular consequence: missense variant.
Genome position (GRCh38, 1-based): chr5:126,592,693, C>T on the plus strand (G>A on the coding strand, the complement: ALDH7A1 is on the minus strand). VCF-style: chr5-126592693-C-T. GRCh37 (hg19) VCF-style: chr5-125928385-C-T.
Other names: c.199G>A, p.Ala67Thr (NM_001201377.2); c.283G>A, p.Ala95Thr (NM_001202404.2); short protein forms A95T, A67T.
Identifiers: ClinVar variation 577460 (VCV000577460.7), dbSNP rs551163406, ClinGen allele CA3389818.